The following is an entry in ClinVar:

NM_003664.5(AP3B1):c.2279A>G (p.Glu760Gly)

Gene: AP3B1 (adaptor related protein complex 3 subunit beta 1; minus strand). Cytogenetic location: 5q14.1.
Variant type: single nucleotide variant.
Coding change: c.2279A>G on transcript NM_003664.5 (MANE Select); coding-DNA position 2279, A replaced by G.
Protein change: p.Glu760Gly; replaces glutamic acid 760 with glycine.
Molecular consequence: missense variant.
Genome position (GRCh38, 1-based): chr5:78,110,325, T>C on the plus strand (A>G on the coding strand, the complement: AP3B1 is on the minus strand). VCF-style: chr5-78110325-T-C. GRCh37 (hg19) VCF-style: chr5-77406149-T-C.
Other names: c.2132A>G, p.Glu711Gly (NM_001271769.2); short protein forms E760G, E711G.
Identifiers: ClinVar variation 1494155 (VCV001494155.6), dbSNP rs2112252523, ClinGen allele CA360183148.
Genomic context (GRCh38, chr5:78,110,325, plus strand): 5'-GAAGAACTGTCTTCTATTGAACTAGATTCGTCATTTGAAGAATCTGAAGTTTTAGATTTT[T>C]CATTTTCCTTCTCCCCATCTTCAGAATCACTACACATAATAGTAAATTTTGAAATATGAA-3'
Protein context (NP_003655.3, residues 750-770): SDSEDGEKEN[Glu760Gly]KSKTSDSSND

ClinVar aggregate classification (germline): Uncertain significance (1 of 4 stars; one submission).

Conditions:
Hermansky-Pudlak syndrome 2 (HPS2). Also called: Platelet defects and oculocutaneous albinism. Identifiers: Orphanet 183678, Orphanet 79430, MedGen C1842362, MONDO:0011997, OMIM 608233.

Submission:

Labcorp Genetics (formerly Invitae), Labcorp
Classification: Uncertain significance for Hermansky-Pudlak syndrome 2. Last evaluated: 2021-04-03. Review status: criteria provided, single submitter. Criteria: Invitae Variant Classification Sherloc (09022015). Collection method: clinical testing. Allele origin: germline.
Comment: In summary, the available evidence is currently insufficient to determine the role of this variant in disease. Therefore, it has been classified as a Variant of Uncertain Significance. Algorithms developed to predict the effect of missense changes on protein structure and function output the following: SIFT: "Tolerated"; PolyPhen-2: "Benign"; Align-GVGD: "Class C0". The glycine amino acid residue is found in multiple mammalian species, suggesting that this missense change does not adversely affect protein function. These predictions have not been confirmed by published functional studies and their clinical significance is uncertain. This variant has not been reported in the literature in individuals with AP3B1-related conditions. This variant is not present in population databases (ExAC no frequency). This sequence change replaces glutamic acid with glycine at codon 760 of the AP3B1 protein (p.Glu760Gly). The glutamic acid residue is weakly conserved and there is a moderate physicochemical difference between glutamic acid and glycine.